The following is an entry in ClinVar:

ClinVar aggregate classification (germline): Benign/Likely benign. Review status: criteria provided, multiple submitters, no conflicts (2 of 4 stars). 2 submissions from 2 submitters: Benign (1); Likely benign (1). Last evaluated 2018-06-23.

Conditions:
DICER1-related tumor predisposition. Also called: DICER1-related pleuropulmonary blastoma cancer predisposition syndrome; DICER1 syndrome. Identifiers: Orphanet 284343, MedGen C3839822, MONDO:0100216.

Allele frequency attached by ClinVar (database versions not stated): gnomAD exomes 0.00026; gnomAD 0.00572 and 0.00611; TOPMed 0.00616; 1000 Genomes Project 0.00699; 1000 Genomes Project 30x 0.00750.
gnomAD v4.1: 858 of 155,314 alleles (0.55%); highest among the groups gnomAD compares: African/African-American, 2%; 8 homozygotes.

Submissions (2):

GeneDx
Classification: Likely benign. Last evaluated: 2018-06-23. Review status: criteria provided, single submitter. Criteria: GeneDx Variant Classification Process June 2021. Collection method: clinical testing. Allele origin: germline. Affected: yes.

Illumina Laboratory Services, Illumina
Classification: Benign for Pleuropulmonary blastoma. Last evaluated: 2018-01-13. Review status: criteria provided, single submitter. Criteria: ICSL Variant Classification Criteria 13 December 2019. Collection method: clinical testing. Allele origin: germline.
Comment: This variant was observed in the ICSL laboratory as part of a predisposition screen in an ostensibly healthy population. It had not been previously curated by ICSL or reported in the Human Gene Mutation Database (HGMD: prior to June 1st, 2018), and was therefore a candidate for classification through an automated scoring system. Utilizing variant allele frequency, disease prevalence and penetrance estimates, and inheritance mode, an automated score was calculated to assess if this variant is too frequent to cause the disease. Based on the score and internal cut-off values, a variant classified as benign is not then subjected to further curation. The score for this variant resulted in a classification of benign for this disease.

NM_177438.3(DICER1):c.-164C>T

Genes: DICER1 (dicer 1, ribonuclease III; minus strand), LOC130056358 (ATAC-STARR-seq lymphoblastoid silent region 6042; plus strand). Cytogenetic location: 14q32.13.
Variant type: single nucleotide variant.
Coding change: c.-164C>T on transcript NM_177438.3 (MANE Select); 164 bases upstream of the start codon, C replaced by T.
Molecular consequence: 5 prime UTR variant. On other transcripts: intron variant (2).
Genome position (GRCh38, 1-based): chr14:95,157,348, G>A on the plus strand (C>T on the coding strand, the complement: DICER1 is on the minus strand). VCF-style: chr14-95157348-G-A. GRCh37 (hg19) VCF-style: chr14-95623685-G-A.
Other names: c.-42+583C>T (NM_001291628.2); c.-213+583C>T (NM_030621.4).
Identifiers: ClinVar variation 315118 (VCV000315118.9), dbSNP rs547495405, ClinGen allele CA10641415.